The following is an entry in ClinVar:

NM_006231.4(POLE):c.1073T>C (p.Ile358Thr)

Gene: POLE (DNA polymerase epsilon, catalytic subunit; minus strand). Cytogenetic location: 12q24.33.
Variant type: single nucleotide variant.
Coding change: c.1073T>C on transcript NM_006231.4 (MANE Select); coding-DNA position 1073, T replaced by C.
Protein change: p.Ile358Thr; replaces isoleucine 358 with threonine.
Molecular consequence: missense variant.
Genome position (GRCh38, 1-based): chr12:132,675,768, A>G on the plus strand (T>C on the coding strand, the complement: POLE is on the minus strand). VCF-style: chr12-132675768-A-G. GRCh37 (hg19) VCF-style: chr12-133252354-A-G.
Other names: short protein forms I358T.
Identifiers: ClinVar variation 653806 (VCV000653806.6), dbSNP rs1593077499, ClinGen allele CA387361485.
Genomic context (GRCh38, chr12:132,675,768, plus strand): 5'-TTACTCATAGAGAAGACACAGACTCACCAGTCAAAAAAGTCCCCGTTGTAGGTGACCATG[A>G]TGGTGGGTTTGGTCTCCTGGACGTGTTCAAACCACCTTTGGATCAGATGAGCCTGAACCC-3'
Protein context (NP_006222.2, residues 348-368): FEHVQETKPT[Ile358Thr]MVTYNGDFFD

ClinVar aggregate classification (germline): Uncertain significance (1 of 4 stars; one submission).

Conditions:
Colorectal cancer, susceptibility to, 12 (CRCS12). Also called: COLORECTAL CANCER, SUSCEPTIBILITY TO, ON CHROMOSOME 12q24. Identifiers: Orphanet 220460, MedGen C3554460, MONDO:0014038, OMIM 615083.

Allele frequency attached by ClinVar (database versions not stated): gnomAD exomes below 0.00001.
gnomAD v4.1: 2 of 1,614,162 alleles (0.00012%); highest among the groups gnomAD compares: African/African-American, 0.0027%; no homozygotes.

Submission:

Labcorp Genetics (formerly Invitae), Labcorp
Classification: Uncertain significance for Colorectal cancer, susceptibility to, 12. Last evaluated: 2021-08-28. Review status: criteria provided, single submitter. Criteria: Invitae Variant Classification Sherloc (09022015). Collection method: clinical testing. Allele origin: germline.
Comment: This sequence change replaces isoleucine with threonine at codon 358 of the POLE protein (p.Ile358Thr). The isoleucine residue is highly conserved and there is a moderate physicochemical difference between isoleucine and threonine. This variant is not present in population databases (ExAC no frequency). This variant has not been reported in the literature in individuals affected with POLE-related conditions. Algorithms developed to predict the effect of missense changes on protein structure and function are either unavailable or do not agree on the potential impact of this missense change (SIFT: "Deleterious"; PolyPhen-2: "Possibly Damaging"; Align-GVGD: "Class C0"). In summary, the available evidence is currently insufficient to determine the role of this variant in disease. Therefore, it has been classified as a Variant of Uncertain Significance.